The following is an entry in ClinVar:

NM_004006.3(DMD):c.3921+7T>C

Gene: DMD (dystrophin; minus strand). Cytogenetic location: Xp21.1.
Variant type: single nucleotide variant.
Coding change: c.3921+7T>C on transcript NM_004006.3 (MANE Select); 7 bases into the intron after coding-DNA position 3921, T replaced by C.
Molecular consequence: intron variant.
Genome position (GRCh38, 1-based): chrX:32,441,173, A>G on the plus strand (T>C on the coding strand, the complement: DMD is on the minus strand). VCF-style: chrX-32441173-A-G. GRCh37 (hg19) VCF-style: chrX-32459290-A-G.
Other names: c.3897+7T>C (NM_000109.4); c.3909+7T>C (NM_004009.3); c.3552+7T>C (NM_004010.3).
Identifiers: ClinVar variation 511635 (VCV000511635.2), dbSNP rs763725829, ClinGen allele CA10379170.
Genomic context (GRCh38, chrX:32,441,173, plus strand): 5'-ATTTGGTACTTGACCTCTTTTAATACTGCATATAAATTATCATCATTTGGCTTAATTTAC[A>G]ACTTACATCTAGCACCTCAGAGATTTCCTCAGCTCCGCCAGGAATGTTTTCAGTGGTTTT-3'

ClinVar aggregate classification (germline): Likely benign. Review status: criteria provided, multiple submitters, no conflicts (2 of 4 stars). 2 submissions from 2 submitters: Likely benign (2). Last evaluated 2025-02-06.

Conditions:
Duchenne muscular dystrophy (DMD). Also called: MUSCULAR DYSTROPHY, PSEUDOHYPERTROPHIC PROGRESSIVE, DUCHENNE TYPE; Duchenne Muscular Dystrophy (DMD). Identifiers: Orphanet 98896, MedGen C0013264, MONDO:0010679, OMIM 310200.

Allele frequency attached by ClinVar (database versions not stated): gnomAD exomes below 0.00001 and 0.00001; ExAC 0.00001.
gnomAD v4.1: 1 of 1,208,320 alleles (0.000083%); highest among the groups gnomAD compares: South Asian, 0.0018%; no homozygotes.

Submissions (2):

Labcorp Genetics (formerly Invitae), Labcorp
Classification: Likely benign for Duchenne muscular dystrophy. Last evaluated: 2025-02-06. Review status: criteria provided, single submitter. Criteria: Invitae Variant Classification Sherloc (09022015). Collection method: clinical testing. Allele origin: germline.

GeneDx
Classification: Likely benign. Last evaluated: 2017-08-22. Review status: criteria provided, single submitter. Criteria: GeneDx Variant Classification (06012015). Collection method: clinical testing. Allele origin: germline. Affected: yes.
Comment: This variant is considered likely benign or benign based on one or more of the following criteria: it is a conservative change, it occurs at a poorly conserved position in the protein, it is predicted to be benign by multiple in silico algorithms, and/or has population frequency not consistent with disease.